The following is an entry in ClinVar:

NM_000051.4(ATM):c.349del (p.Cys117fs)

Gene: ATM (ATM serine/threonine kinase; plus strand). Cytogenetic location: 11q22.3.
Variant type: Deletion.
Coding change: c.349del on transcript NM_000051.4 (MANE Select); coding-DNA position 349, one base deleted (T; older notation c.349delT).
Protein change: p.Cys117fs; shifts the reading frame from cysteine 117.
Molecular consequence: frameshift variant.
Genome position (GRCh38, 1-based): chr11:108,235,687, T deleted. VCF-style (leftmost placement, unchanged base first): chr11-108235686-AT-A. GRCh37 (hg19) VCF-style: chr11-108106413-AT-A.
Other names: c.349del, p.Cys117fs (NM_001351834.2); short protein forms C117fs.
Identifiers: ClinVar variation 3772439 (VCV003772439.15).

ClinVar aggregate classification (germline): Pathogenic. Review status: criteria provided, multiple submitters, no conflicts (2 of 4 stars). 2 submissions from 2 submitters: Pathogenic (2). Last evaluated 2026-09-16.

Conditions:
Inherited breast cancer and ovarian cancer.

Submissions (2):

Genetics Laboratory, Great Ormond Street Hospital NHS Foundation Trust, North Thames Genomic Laboratory Hub
Classification: Pathogenic for Inherited breast cancer and ovarian cancer. Last evaluated: 2026-09-16. Review status: criteria provided, single submitter. Criteria: CanVIG ATM Gene Specific V1.2. Collection method: clinical testing. Allele origin: germline. Affected: yes.
Comment: PM2_supporting, PVS1_very-strong, PM5_supporting

CeGaT Center for Human Genetics Tuebingen
Classification: Pathogenic. Last evaluated: 2025-02-01. Review status: criteria provided, single submitter. Criteria: CeGaT Center For Human Genetics Tuebingen Variant Classification Criteria Version 2. Collection method: clinical testing. Allele origin: germline. Affected: yes. Observed: 2 variant alleles.
Comment: ATM: PVS1, PM2, PM3